The following is an entry in ClinVar:

NM_007194.4(CHEK2):c.1461G>T (p.Gln487His)

Gene: CHEK2 (checkpoint kinase 2; minus strand). Cytogenetic location: 22q12.1.
Variant type: single nucleotide variant.
Coding change: c.1461G>T on transcript NM_007194.4 (MANE Select); coding-DNA position 1461, G replaced by T.
Protein change: p.Gln487His; replaces glutamine 487 with histidine.
Molecular consequence: missense variant.
Genome position (GRCh38, 1-based): chr22:28,694,032, C>A on the plus strand (G>T on the coding strand, the complement: CHEK2 is on the minus strand). VCF-style: chr22-28694032-C-A. GRCh37 (hg19) VCF-style: chr22-29090020-C-A.
Other names: c.1590G>T, p.Gln530His (NM_001005735.3); c.798G>T, p.Gln266His (NM_001257387.3); c.1260G>T, p.Gln420His (NM_001349956.3); c.1374G>T, p.Gln458His (NM_145862.3); short protein forms Q266H, Q487H, Q530H, Q420H, Q458H.
Identifiers: ClinVar variation 4002250 (VCV004002250.2).

ClinVar aggregate classification (germline): Uncertain significance (1 of 4 stars; one submission).

Conditions:
Hereditary cancer-predisposing syndrome. Also called: Tumor predisposition; Hereditary neoplastic syndrome; Neoplastic Syndromes, Hereditary; Hereditary Cancer Syndrome. Identifiers: Orphanet 140162, MedGen C0027672, MeSH D009386, MONDO:0015356.

Submission:

Ambry Genetics
Classification: Uncertain significance for Hereditary cancer-predisposing syndrome. Last evaluated: 2025-08-29. Review status: criteria provided, single submitter. Criteria: Ambry Variant Classification Scheme 2023. Collection method: clinical testing. Allele origin: germline.
Comment: The c.1461G>T variant (also known as p.Q487H), located in coding exon 12 of the CHEK2 gene, results from a G to T substitution at nucleotide position 1461. The amino acid change results in glutamine to histidine at codon 487, an amino acid with highly similar properties. However, this change occurs in the last base pair of coding exon 12, which makes it likely to have some effect on normal mRNA splicing. This alteration was identified in a cohort of 1260 individuals undergoing panel testing for Lynch syndrome due to having a diagnosis of a Lynch-associated cancer and/or polyps (Yurgelun MB et al. Gastroenterology, 2015 Sep;149:604-13.e20). This nucleotide position is highly conserved in available vertebrate species. This amino acid position is also well conserved in available vertebrate species. In silico splice site analysis predicts that this alteration will weaken the native splice donor site; however direct evidence is insufficient (Ambry internal data). In addition, as a missense, this alteration is predicted to be tolerated by in silico analysis. Based on the available evidence, the clinical significance of this variant remains unclear.

Literature cited by the submitters: PubMed 25980754.